The following is an entry in ClinVar:

ClinVar aggregate classification (germline): Pathogenic. Review status: criteria provided, multiple submitters, no conflicts (2 of 4 stars). 4 submissions from 4 submitters: Pathogenic (3). 1 of the submissions does not count toward it. Last evaluated 2026-01-12.

Conditions:
Hereditary cancer-predisposing syndrome. Also called: Tumor predisposition; Hereditary Cancer Syndrome; Hereditary neoplastic syndrome; Neoplastic Syndromes, Hereditary. Identifiers: Orphanet 140162, MedGen C0027672, MeSH D009386, MONDO:0015356.
Familial cancer of breast. Also called: Hereditary breast cancer; BREAST CANCER, FAMILIAL; hereditary breast carcinoma. Identifiers: Orphanet 227535, MedGen C0346153, MONDO:0016419, OMIM 114480. Disease mechanism: loss of function.
Ataxia-telangiectasia syndrome (AT). Also called: ATAXIA-TELANGIECTASIA, COMPLEMENTATION GROUP A; ATAXIA-TELANGIECTASIA, FRESNO VARIANT; Ataxia-telangiectasia; Ataxia telangiectasia (A-T); Cerebello-oculocutaneous telangiectasia; Immunodeficiency with ataxia telangiectasia. Identifiers: Orphanet 100, MedGen C0004135, MONDO:0008840, OMIM 208900.

Submissions (4):

Labcorp Genetics (formerly Invitae), Labcorp
Classification: Pathogenic for Ataxia-telangiectasia syndrome. Last evaluated: 2026-01-12. Review status: criteria provided, single submitter. Criteria: Invitae Variant Classification Sherloc (09022015). Collection method: clinical testing. Allele origin: germline.
Comment: This sequence change creates a premature translational stop signal (p.Leu1078Serfs*3) in the ATM gene. It is expected to result in an absent or disrupted protein product. Loss-of-function variants in ATM are known to be pathogenic (PMID: 23807571, 25614872). This variant is not present in population databases (gnomAD no frequency). This variant has not been reported in the literature in individuals affected with ATM-related conditions. ClinVar contains an entry for this variant (Variation ID: 371217). For these reasons, this variant has been classified as Pathogenic.

Ambry Genetics
Classification: Pathogenic for Hereditary cancer-predisposing syndrome. Last evaluated: 2025-09-03. Review status: criteria provided, single submitter. Criteria: Ambry Variant Classification Scheme 2023. Collection method: clinical testing. Allele origin: germline.
Comment: The c.3231dupT pathogenic mutation, located in coding exon 21 of the ATM gene, results from a duplication of T at nucleotide position 3231, causing a translational frameshift with a predicted alternate stop codon (p.L1078Sfs*3). This variant is considered to be rare based on population cohorts in the Genome Aggregation Database (gnomAD). This alteration is expected to result in loss of function by premature protein truncation or nonsense-mediated mRNA decay. As such, this alteration is interpreted as a disease-causing mutation.

Myriad Genetics, Inc.
Classification: Pathogenic for Familial cancer of breast. Last evaluated: 2024-01-19. Review status: criteria provided, single submitter. Criteria: Myriad Autosomal Dominant, Autosomal Recessive and X-Linked Classification Criteria (2023). Collection method: clinical testing. Allele origin: unknown.
Comment: This variant is considered pathogenic. This variant creates a frameshift predicted to result in premature protein truncation.

Counsyl
Classification: Likely pathogenic for Ataxia-telangiectasia syndrome. Last evaluated: 2016-07-29. Review status: no assertion criteria provided. Collection method: clinical testing. Allele origin: unknown. Not counted in ClinVar's aggregate classification.

Literature cited by the submitters: PubMed 23807571 (cited by Labcorp Genetics (formerly Invitae), Labcorp); PubMed 25614872 (cited by Labcorp Genetics (formerly Invitae), Labcorp).

NM_000051.4(ATM):c.3231dup (p.Leu1078fs)

Gene: ATM (ATM serine/threonine kinase; plus strand). Cytogenetic location: 11q22.3.
Variant type: Duplication.
Coding change: c.3231dup on transcript NM_000051.4 (MANE Select); coding-DNA position 3231, one base duplicated (T; older notation c.3231dupT).
Protein change: p.Leu1078fs; shifts the reading frame from leucine 1078.
Molecular consequence: frameshift variant.
Genome position (GRCh38, 1-based): chr11:108,272,799, T duplicated; the last of 3 consecutive T bases (chr11:108,272,797-108,272,799); duplicating any one gives the same sequence. VCF-style (leftmost placement, unchanged base first): chr11-108272796-A-AT. GRCh37 (hg19) VCF-style: chr11-108143523-A-AT.
Other names: c.3231dup, p.Leu1078fs (NM_001351834.2); c.3231dupT (NM_000051.3); short protein forms L1078fs.
Identifiers: ClinVar variation 371217 (VCV000371217.12), dbSNP rs1057517097, ClinGen allele CA16041398.